The following is an entry in ClinVar:

NM_000293.3(PHKB):c.1228T>C (p.Tyr410His)

Gene: PHKB (phosphorylase kinase regulatory subunit beta; plus strand). Cytogenetic location: 16q12.1.
Variant type: single nucleotide variant.
Coding change: c.1228T>C on transcript NM_000293.3 (MANE Select); coding-DNA position 1228, T replaced by C.
Protein change: p.Tyr410His; replaces tyrosine 410 with histidine.
Molecular consequence: missense variant.
Genome position (GRCh38, 1-based): chr16:47,596,396, T>C. VCF-style: chr16-47596396-T-C. GRCh37 (hg19) VCF-style: chr16-47630307-T-C.
Other names: c.1207T>C, p.Tyr403His (NM_001031835.3); c.1228T>C, p.Tyr410His (NM_001363837.1); short protein forms Y403H, Y410H.
Identifiers: ClinVar variation 1382916 (VCV001382916.8), dbSNP rs2151701605, ClinGen allele CA395799715.

ClinVar aggregate classification (germline): Uncertain significance (1 of 4 stars; one submission).

Conditions:
Glycogen storage disease IXb (GSD9B). Also called: PHOSPHORYLASE KINASE DEFICIENCY OF LIVER AND MUSCLE, AUTOSOMAL RECESSIVE; GLYCOGENOSIS OF LIVER AND MUSCLE, AUTOSOMAL RECESSIVE; GSD IXb. Identifiers: Orphanet 79240, MedGen C0543514, MONDO:0009868, OMIM 261750.

gnomAD v4.1: 1 of 1,608,666 alleles (0.000062%); highest among the groups gnomAD compares: Non-Finnish European, 0.000085%; no homozygotes.

Submission:

Labcorp Genetics (formerly Invitae), Labcorp
Classification: Uncertain significance for Glycogen storage disease IXb. Last evaluated: 2022-08-23. Review status: criteria provided, single submitter. Criteria: Invitae Variant Classification Sherloc (09022015). Collection method: clinical testing. Allele origin: germline.
Comment: In summary, the available evidence is currently insufficient to determine the role of this variant in disease. Therefore, it has been classified as a Variant of Uncertain Significance. Algorithms developed to predict the effect of missense changes on protein structure and function (SIFT, PolyPhen-2, Align-GVGD) all suggest that this variant is likely to be disruptive. ClinVar contains an entry for this variant (Variation ID: 1382916). This variant has not been reported in the literature in individuals affected with PHKB-related conditions. This variant is not present in population databases (gnomAD no frequency). This sequence change replaces tyrosine, which is neutral and polar, with histidine, which is basic and polar, at codon 410 of the PHKB protein (p.Tyr410His).